The following is an entry in ClinVar:

NM_005245.4(FAT1):c.3912G>A (p.Pro1304=)

Gene: FAT1 (FAT atypical cadherin 1; minus strand). Cytogenetic location: 4q35.2.
Variant type: single nucleotide variant.
Coding change: c.3912G>A on transcript NM_005245.4 (MANE Select); coding-DNA position 3912, G replaced by A.
Protein change: p.Pro1304=; no amino-acid change (proline 1304 retained).
Molecular consequence: synonymous variant.
Genome position (GRCh38, 1-based): chr4:186,636,645, C>T on the plus strand (G>A on the coding strand, the complement: FAT1 is on the minus strand). VCF-style: chr4-186636645-C-T. GRCh37 (hg19) VCF-style: chr4-187557799-C-T.
Other names: c.3912G>A (NM_005245.3).
Identifiers: ClinVar variation 1596122 (VCV001596122.24), dbSNP rs367959722, ClinGen allele CA3166871.

ClinVar aggregate classification (germline): Benign/Likely benign. Review status: criteria provided, multiple submitters, no conflicts (2 of 4 stars). 3 submissions from 3 submitters: Benign (1); Likely benign (1). 1 of the submissions does not count toward it. Last evaluated 2026-01-25.

Conditions:
FAT1-related disorder. Also called: FAT1-related condition.

Allele frequency attached by ClinVar (database versions not stated): ExAC 0.00021; ESP Exome Variant Server 0.00059; 1000 Genomes Project 0.00060; 1000 Genomes Project 30x 0.00062; gnomAD 0.00088 and 0.00098; TOPMed 0.00093.
gnomAD v4.1: 323 of 1,613,898 alleles (0.02%); highest among the groups gnomAD compares: African/African-American, 0.27%; no homozygotes.

Submissions (3):

Labcorp Genetics (formerly Invitae), Labcorp
Classification: Benign. Last evaluated: 2026-01-25. Review status: criteria provided, single submitter. Criteria: Invitae Variant Classification Sherloc (09022015). Collection method: clinical testing. Allele origin: germline.

CeGaT Center for Human Genetics Tuebingen
Classification: Likely benign. Last evaluated: 2024-10-01. Review status: criteria provided, single submitter. Criteria: CeGaT Center For Human Genetics Tuebingen Variant Classification Criteria Version 2. Collection method: clinical testing. Allele origin: germline. Affected: yes. Observed: 1 variant allele.
Comment: FAT1: BP4, BP7

PreventionGenetics, part of Exact Sciences
Classification: Likely benign for FAT1-related condition. Last evaluated: 2023-11-08. Review status: no assertion criteria provided. Collection method: clinical testing. Allele origin: germline. Not counted in ClinVar's aggregate classification.
Comment: This variant is classified as likely benign based on ACMG/AMP sequence variant interpretation guidelines (Richards et al. 2015 PMID: 25741868, with internal and published modifications).